The following is an entry in ClinVar:

NM_000540.3(RYR1):c.178G>A (p.Asp60Asn)

Gene: RYR1 (ryanodine receptor 1; plus strand). Cytogenetic location: 19q13.2.
Variant type: single nucleotide variant.
Coding change: c.178G>A on transcript NM_000540.3 (MANE Select); coding-DNA position 178, G replaced by A.
Protein change: p.Asp60Asn; replaces aspartic acid 60 with asparagine.
Molecular consequence: missense variant.
Genome position (GRCh38, 1-based): chr19:38,442,361, G>A. VCF-style: chr19-38442361-G-A. GRCh37 (hg19) VCF-style: chr19-38933001-G-A.
Other names: NM_000540.2(RYR1):c.178G>A; c.178G>A, p.Asp60Asn (NM_001042723.2); short protein forms D60N.
Identifiers: ClinVar variation 65932 (VCV000065932.54), dbSNP rs118192160, ClinGen allele CA024309.
Genomic context (GRCh38, chr19:38,442,361, plus strand): 5'-GGTGGGGGGGTCTTCTGACCCCTCACTTACATCCCCCTCCCACCCCAGAATGTGCCCCCC[G>A]ATCTGGCCATCTGTTGCTTCGTCCTGGAGCAGTCCCTGTCTGTGCGAGCCCTGCAGGAGA-3'
Protein context (NP_000531.2, residues 50-70): PTSNAQNVPP[Asp60Asn]LAICCFVLEQ

ClinVar aggregate classification (germline): Uncertain significance. Review status: reviewed by expert panel (3 of 4 stars). 8 submissions from 8 submitters: Uncertain significance (1). 7 of the submissions do not count toward it. Last evaluated 2025-08-01.

Conditions:
RYR1-related disorder. Also called: RYR1-related disorders; RYR1-related condition. Identifiers: MedGen CN239331.
Central core myopathy (CMYO1A). Also called: CONGENITAL MYOPATHY 1A, AUTOSOMAL DOMINANT, WITH SUSCEPTIBILITY TO MALIGNANT HYPERTHERMIA; Central core disease; Myopathy, central fibrillar. Identifiers: Orphanet 597, MedGen C5830701, MONDO:0007294, OMIM 117000.
Malignant hyperthermia, susceptibility to, 1 (MHS1). Also called: Anesthesia related hyperthermia; Malignant hyperpyrexia; Fulminating hyperpyrexia; Pharmacogenic myopathy; Malignant hyperthermia suceptibility 1; RYR1-Related Malignant Hyperthermia Susceptibility. Identifiers: Orphanet 423, MedGen C2930980, MONDO:0007783, OMIM 145600.

Allele frequency attached by ClinVar (database versions not stated): ExAC 0.00001; gnomAD 0.00001; gnomAD exomes 0.00001 and below 0.00001.
gnomAD v4.1: 12 of 1,580,018 alleles (0.00076%); highest among the groups gnomAD compares: South Asian, 0.0011%; no homozygotes.

Submissions (8):

ClinGen Malignant Hyperthermia Susceptibility Variant Curation Expert Panel, ClinGen
Classification: Uncertain significance for Malignant hyperthermia, susceptibility to, 1. Last evaluated: 2025-08-01. Review status: reviewed by expert panel. Criteria: ClinGen MHS ACMG Specifications V2. Collection method: curation. Allele origin: germline. Inheritance: Autosomal dominant inheritance. Study: ClinGen.
Comment: This pathogenicity assessment is relevant only for malignant hyperthermia susceptibility (MHS) inherited in an autosomal dominant pattern. Variants in RYR1 can also cause other myopathies inherited in an autosomal dominant pattern or in an autosomal recessive pattern. Some of these disorders may predispose individuals to malignant hyperthermia. RYR1 variants may also contribute to a malignant hyperthermia reaction in combination with other genetic and non-genetic factors and the clinician needs to consider such factors in making management decisions. This sequence variant predicts a substitution of Aspartic Acid with Asparagine at codon 60 of the RYR1 protein, p.(Asp60Asn). The maximum allele frequency for this variant among the six major gnomAD populations is NFE: 0.000016, a frequency consistent with pathogenicity for MHS. This variant has been reported in an individual with a personal or family history of an MH episode and a positive in vitro contracture test (IVCT) or caffeine halothane contracture test (CHCT) result (if the proband was unavailable for testing, a positive diagnostic test result in a mutation-positive relative was counted), PS4_Supporting (PMID:30236257 ). A functional study was published for this variant analyzing the effect of the variant on the stability of the protein, this assay is not considered a standard assay by the ClinGen RYR1 VCEP for MHS (PMID:23422674). This variant resides in a region of RYR1 considered to be a hotspot for pathogenic variants that contribute to MHS, PM1 (PMID: 21118704). A REVEL score of 0.736 supports neither a pathogenic nor a benign status for this variant. This variant has been classified as a Variant of Unknown Significance. Criteria implemented: PS4_Supporting, PM1.

All of Us Research Program, National Institutes of Health
Classification: Uncertain significance for Malignant hyperthermia, susceptibility to, 1. Last evaluated: 2024-09-27. Review status: criteria provided, single submitter. Criteria: ACMG Guidelines, 2015. Collection method: clinical testing. Allele origin: germline. Inheritance: Autosomal dominant inheritance. Observed: 1 variant allele, 1 heterozygote. Not counted in ClinVar's aggregate classification.
Comment: This study involves interpretation of variants in research participants for the purpose of population health screening. Participant phenotype was not available at the time of variant classification. Additional details can be found in publication PMID: 35346344, PMCID: PMC8962531

GeneDx
Classification: Likely pathogenic. Last evaluated: 2023-12-09. Review status: criteria provided, single submitter. Criteria: GeneDx Variant Classification Process June 2021. Collection method: clinical testing. Allele origin: germline. Affected: yes. Not counted in ClinVar's aggregate classification.
Comment: In silico analysis supports that this missense variant has a deleterious effect on protein structure/function; Not observed at significant frequency in large population cohorts (gnomAD); This variant is associated with the following publications: (PMID: 33767344, 23422674, 16917943, 16621918)

Labcorp Genetics (formerly Invitae), Labcorp
Classification: Uncertain significance for RYR1-related disorder. Last evaluated: 2023-10-28. Review status: criteria provided, single submitter. Criteria: Invitae Variant Classification Sherloc (09022015). Collection method: clinical testing. Allele origin: germline. Not counted in ClinVar's aggregate classification.
Comment: This sequence change replaces aspartic acid, which is acidic and polar, with asparagine, which is neutral and polar, at codon 60 of the RYR1 protein (p.Asp60Asn). This variant is present in population databases (rs118192160, gnomAD 0.002%). This missense change has been observed in individual(s) with autosomal recessive RYR1-related conditions (PMID: 16621918). ClinVar contains an entry for this variant (Variation ID: 65932). Advanced modeling of protein sequence and biophysical properties (such as structural, functional, and spatial information, amino acid conservation, physicochemical variation, residue mobility, and thermodynamic stability) has been performed at Invitae for this missense variant, however the output from this modeling did not meet the statistical confidence thresholds required to predict the impact of this variant on RYR1 protein function. In summary, the available evidence is currently insufficient to determine the role of this variant in disease. Therefore, it has been classified as a Variant of Uncertain Significance.

CeGaT Center for Human Genetics Tuebingen
Classification: Pathogenic. Last evaluated: 2019-09-01. Review status: criteria provided, single submitter. Criteria: CeGaT Center For Human Genetics Tuebingen Variant Classification Criteria Version 2. Collection method: clinical testing. Allele origin: germline. Affected: yes. Observed: 4 variant alleles. Not counted in ClinVar's aggregate classification.

PreventionGenetics, part of Exact Sciences
Classification: Likely pathogenic. Last evaluated: 2017-10-11. Review status: criteria provided, single submitter. Criteria: ACMG Guidelines, 2015. Collection method: clinical testing. Allele origin: germline. Not counted in ClinVar's aggregate classification.

GeneReviews
Classification: Pathogenic for Central Core Disease. Last evaluated: 2010-05-11. Review status: no assertion criteria provided. Collection method: curation. Allele origin: unknown. Not counted in ClinVar's aggregate classification.
ClinVar note: Converted during submission from pathologic to Pathogenic.

RYR1 database
No classification provided. Review status: no classification provided. Collection method: not provided. Allele origin: unknown. Not counted in ClinVar's aggregate classification.

Literature cited by the submitters: PubMed 16621918 (cited by Labcorp Genetics (formerly Invitae), Labcorp).